The following is an entry in ClinVar:

NM_000548.5(TSC2):c.3934G>A (p.Val1312Met)

Gene: TSC2 (TSC complex subunit 2; plus strand). Cytogenetic location: 16p13.3.
Variant type: single nucleotide variant.
Coding change: c.3934G>A on transcript NM_000548.5 (MANE Select); coding-DNA position 3934, G replaced by A.
Protein change: p.Val1312Met; replaces valine 1312 with methionine.
Molecular consequence: missense variant.
Genome position (GRCh38, 1-based): chr16:2,083,745, G>A. VCF-style: chr16-2083745-G-A. GRCh37 (hg19) VCF-style: chr16-2133746-G-A.
Other names: c.3733G>A, p.Val1245Met (NM_001077183.3); c.3865G>A, p.Val1289Met (NM_001114382.3); c.3625G>A, p.Val1209Met (NM_001318827.2); c.3589G>A, p.Val1197Met (NM_001318829.2); c.3202G>A, p.Val1068Met (NM_001318831.2); c.3766G>A, p.Val1256Met (NM_001318832.2); c.3736G>A, p.Val1246Met (NM_001363528.2); c.3802G>A, p.Val1268Met (NM_001370404.1); and 1 more; short protein forms V1068M, V1197M, V1209M, V1246M, V1268M, V1289M, V1312M, V1245M.
Identifiers: ClinVar variation 659015 (VCV000659015.12), dbSNP rs201584397, ClinGen allele CA394297276.

ClinVar aggregate classification (germline): Conflicting classifications of pathogenicity. Review status: criteria provided, conflicting classifications (1 of 4 stars). 2 submissions from 2 submitters: Uncertain significance (1); Benign (1). Last evaluated 2025-05-30.

Conditions:
Tuberous sclerosis 2 (TSC2). Identifiers: Orphanet 805, MedGen C1860707, MONDO:0013199, OMIM 613254.
Hereditary cancer-predisposing syndrome. Also called: Neoplastic Syndromes, Hereditary; Hereditary neoplastic syndrome; Hereditary Cancer Syndrome; Tumor predisposition. Identifiers: Orphanet 140162, MedGen C0027672, MeSH D009386, MONDO:0015356.

gnomAD v4.1: 1 of 1,607,070 alleles (0.000062%); no homozygotes.

Submissions (2):

Labcorp Genetics (formerly Invitae), Labcorp
Classification: Benign for Tuberous sclerosis 2. Last evaluated: 2025-05-30. Review status: criteria provided, single submitter. Criteria: Invitae Variant Classification Sherloc (09022015). Collection method: clinical testing. Allele origin: germline.

Ambry Genetics
Classification: Uncertain significance for Hereditary cancer-predisposing syndrome. Last evaluated: 2025-01-16. Review status: criteria provided, single submitter. Criteria: Ambry Variant Classification Scheme 2023. Collection method: clinical testing. Allele origin: germline.
Comment: The p.V1312M variant (also known as c.3934G>A), located in coding exon 32 of the TSC2 gene, results from a G to A substitution at nucleotide position 3934. The valine at codon 1312 is replaced by methionine, an amino acid with highly similar properties. This amino acid position is not well conserved in available vertebrate species. In addition, this alteration is predicted to be tolerated by in silico analysis. Based on the available evidence, the clinical significance of this variant remains unclear.